The following is an entry in ClinVar:

NM_006231.4(POLE):c.63G>T (p.Arg21Ser)

Gene: POLE (DNA polymerase epsilon, catalytic subunit; minus strand). Cytogenetic location: 12q24.33.
Variant type: single nucleotide variant.
Coding change: c.63G>T on transcript NM_006231.4 (MANE Select); coding-DNA position 63, G replaced by T.
Protein change: p.Arg21Ser; replaces arginine 21 with serine.
Molecular consequence: missense variant.
Genome position (GRCh38, 1-based): chr12:132,681,279, C>A on the plus strand (G>T on the coding strand, the complement: POLE is on the minus strand). VCF-style: chr12-132681279-C-A. GRCh37 (hg19) VCF-style: chr12-133257865-C-A.
Other names: short protein forms R21S.
Identifiers: ClinVar variation 2796853 (VCV002796853.3), dbSNP rs2136035034, ClinGen allele CA387370740.
Genomic context (GRCh38, chr12:132,681,279, plus strand): 5'-CGTCCACTGACTCCGTTCCAGGCGCTTGAGTGCCGAAACTGAGGAAGTGGCGCCATCATC[C>A]CTGAGTGAAAGAAGGGAACCCCGTGCTTAATTTGTAATGCCACCTGCTGCTGCTTCTTTT-3'
Protein context (NP_006222.2, residues 11-31): ADPGADGEAS[Arg21Ser]DDGATSSVSA

ClinVar aggregate classification (germline): Uncertain significance (1 of 4 stars; one submission).

Submission:

Labcorp Genetics (formerly Invitae), Labcorp
Classification: Uncertain significance. Last evaluated: 2023-08-02. Review status: criteria provided, single submitter. Criteria: Invitae Variant Classification Sherloc (09022015). Collection method: clinical testing. Allele origin: germline.
Comment: This variant is not present in population databases (gnomAD no frequency). In summary, the available evidence is currently insufficient to determine the role of this variant in disease. Therefore, it has been classified as a Variant of Uncertain Significance. Algorithms developed to predict the effect of sequence changes on RNA splicing suggest that this variant may create or strengthen a splice site. An algorithm developed to predict the effect of missense changes on protein structure and function (PolyPhen-2) suggests that this variant is likely to be tolerated. This variant has not been reported in the literature in individuals affected with POLE-related conditions. This sequence change replaces arginine, which is basic and polar, with serine, which is neutral and polar, at codon 21 of the POLE protein (p.Arg21Ser).